The following is an entry in ClinVar:

ClinVar aggregate classification (germline): Benign/Likely benign. Review status: criteria provided, multiple submitters, no conflicts (2 of 4 stars). 2 submissions from 2 submitters: Benign (1); Likely benign (1). Last evaluated 2024-02-01.

Allele frequency attached by ClinVar (database versions not stated): ESP Exome Variant Server 0.00161; TOPMed 0.00175; ExAC 0.00359; gnomAD 0.00386 and 0.00399; 1000 Genomes Project 30x 0.00047; 1000 Genomes Project 0.00060.
gnomAD v4.1: 4,842 of 1,613,706 alleles (0.3%); highest among the groups gnomAD compares: Middle Eastern, 1.2%; 31 homozygotes.

Submissions (2):

CeGaT Center for Human Genetics Tuebingen
Classification: Likely benign. Last evaluated: 2024-02-01. Review status: criteria provided, single submitter. Criteria: CeGaT Center For Human Genetics Tuebingen Variant Classification Criteria Version 2. Collection method: clinical testing. Allele origin: germline. Affected: yes. Observed: 1 variant allele.
Comment: LRFN2: BP4, BP7, BS2

Labcorp Genetics (formerly Invitae), Labcorp
Classification: Benign. Last evaluated: 2018-05-15. Review status: criteria provided, single submitter. Criteria: Invitae Variant Classification Sherloc (09022015). Collection method: clinical testing. Allele origin: germline.

NM_020737.3(LRFN2):c.2217G>T (p.Pro739=)

Gene: LRFN2 (leucine rich repeat and fibronectin type III domain containing 2; minus strand). Cytogenetic location: 6p21.2.
Variant type: single nucleotide variant.
Coding change: c.2217G>T on transcript NM_020737.3 (MANE Select); coding-DNA position 2217, G replaced by T.
Protein change: p.Pro739=; no amino-acid change (proline 739 retained).
Molecular consequence: synonymous variant.
Genome position (GRCh38, 1-based): chr6:40,392,096, C>A on the plus strand (G>T on the coding strand, the complement: LRFN2 is on the minus strand). VCF-style: chr6-40392096-C-A. GRCh37 (hg19) VCF-style: chr6-40359835-C-A.
Identifiers: ClinVar variation 728592 (VCV000728592.27), dbSNP rs142012380, ClinGen allele CA3796587.